The following is an entry in ClinVar:

NM_004924.6(ACTN4):c.2161G>A (p.Asp721Asn)

Gene: ACTN4 (actinin alpha 4; plus strand). Cytogenetic location: 19q13.2.
Variant type: single nucleotide variant.
Coding change: c.2161G>A on transcript NM_004924.6 (MANE Select); coding-DNA position 2161, G replaced by A.
Protein change: p.Asp721Asn; replaces aspartic acid 721 with asparagine.
Molecular consequence: missense variant.
Genome position (GRCh38, 1-based): chr19:38,725,874, G>A. VCF-style: chr19-38725874-G-A. GRCh37 (hg19) VCF-style: chr19-39216514-G-A.
Other names: c.2161G>A, p.Asp721Asn (NM_001322033.2, NM_001411143.1, NM_001440296.1 and 2 more transcripts); c.1909G>A, p.Asp637Asn (NM_001440299.1); short protein forms D637N, D721N.
Identifiers: ClinVar variation 4538800 (VCV004538800.1).

ClinVar aggregate classification (germline): Uncertain significance (1 of 4 stars; one submission).

gnomAD v4.1: 5 of 1,614,116 alleles (0.00031%); highest among the groups gnomAD compares: South Asian, 0.0011%; no homozygotes.

Submission:

GeneDx
Classification: Uncertain significance. Last evaluated: 2025-06-16. Review status: criteria provided, single submitter. Criteria: GeneDx Variant Classification Process June 2021. Collection method: clinical testing. Allele origin: germline. Affected: yes.
Comment: Not observed at significant frequency in large population cohorts (gnomAD); In silico analysis supports that this missense variant has a deleterious effect on protein structure/function; Has not been previously published as pathogenic or benign to our knowledge